The following is an entry in ClinVar:

ClinVar aggregate classification (germline): Likely pathogenic (1 of 4 stars; one submission).

Conditions:
Pyruvate carboxylase deficiency. Also called: ATAXIA WITH LACTIC ACIDOSIS II; LEIGH NECROTIZING ENCEPHALOPATHY DUE TO PYRUVATE CARBOXYLASE DEFICIENCY; LEIGH SYNDROME DUE TO PYRUVATE CARBOXYLASE DEFICIENCY; PC DEFICIENCY; Pyruvate Carboxylase Deficiency Disease. Identifiers: Orphanet 3008, MedGen C0034341, MONDO:0009949, OMIM 266150.

Submission:

Myriad Genetics, Inc.
Classification: Likely pathogenic for Pyruvate carboxylase deficiency. Last evaluated: 2022-03-06. Review status: criteria provided, single submitter. Criteria: Myriad Women's Health Autosomal Recessive and X-Linked Classification Criteria (2021). Collection method: clinical testing. Allele origin: unknown.
Comment: NM_000920.3(PC):c.2292delC(D765Tfs*40) is expected to be pathogenic in the context of pyruvate carboxylase deficiency. This variant is predicted to lead to an abnormal or absent protein product due to the creation of a premature termination codon in PC, a gene where loss-of-function variants are known to be pathogenic. Please note: this variant was assessed in the context of healthy population screening.

NM_001040716.2(PC):c.2292del (p.Asp765fs)

Gene: PC (pyruvate carboxylase; minus strand). Cytogenetic location: 11q13.2.
Variant type: Deletion.
Coding change: c.2292del on transcript NM_001040716.2 (MANE Select); coding-DNA position 2292, one base deleted (C; older notation c.2292delC).
Protein change: p.Asp765fs; shifts the reading frame from aspartic acid 765.
Molecular consequence: frameshift variant.
Genome position (GRCh38, 1-based): chr11:66,850,855, G deleted on the plus strand (C on the coding strand, the reverse complement: PC is on the minus strand); the first of 4 consecutive G bases (chr11:66,850,855-66,850,858); deleting any one gives the same sequence. VCF-style (leftmost placement, unchanged base first): chr11-66850854-CG-C. GRCh37 (hg19) VCF-style: chr11-66618325-CG-C.
Other names: c.2292del, p.Asp765fs (NM_000920.4, NM_022172.3); short protein forms D765fs.
Identifiers: ClinVar variation 1725069 (VCV001725069.2), dbSNP rs2495443430, ClinGen allele CA2580084585.